The following is an entry in ClinVar:

NM_001110556.2(FLNA):c.4243A>C (p.Ile1415Leu)

Gene: FLNA (filamin A; minus strand). Cytogenetic location: Xq28.
Variant type: single nucleotide variant.
Coding change: c.4243A>C on transcript NM_001110556.2 (MANE Select); coding-DNA position 4243, A replaced by C.
Protein change: p.Ile1415Leu; replaces isoleucine 1415 with leucine.
Molecular consequence: missense variant.
Genome position (GRCh38, 1-based): chrX:154,359,306, T>G on the plus strand (A>C on the coding strand, the complement: FLNA is on the minus strand). VCF-style: chrX-154359306-T-G. GRCh37 (hg19) VCF-style: chrX-153587674-T-G.
Other names: c.4243A>C, p.Ile1415Leu (NM_001456.4); short protein forms I1415L.
Identifiers: ClinVar variation 1018767 (VCV001018767.13), dbSNP rs2067686132, ClinGen allele CA415218112.

ClinVar aggregate classification (germline): Uncertain significance. Review status: criteria provided, multiple submitters, no conflicts (2 of 4 stars). 4 submissions from 4 submitters: Uncertain significance (4). Last evaluated 2025-04-23.

Conditions:
Familial thoracic aortic aneurysm and aortic dissection (TAAD). Also called: Thoracic aortic aneurysms and dissections. Identifiers: Orphanet 91387, MedGen C4707243, MONDO:0019625.
Frontometaphyseal dysplasia (FMD1). Identifiers: Orphanet 1826, MedGen C0265293, MONDO:0015942.
Melnick-Needles syndrome (MNS). Also called: MELNICK-NEEDLES OSTEODYSPLASTY; OSTEODYSPLASTY OF MELNICK AND NEEDLES; Melnick-Needles Syndrome (FLNA-MNS). Identifiers: Orphanet 2484, MedGen C0025237, MONDO:0010650, OMIM 309350.
Oto-palato-digital syndrome, type II (OPD2). Also called: FACIOPALATOOSSEOUS SYNDROME; Otopalatodigital Syndrome, Type II; OPD II SYNDROME; Otopalatodigital Syndrome Type 2 (FLNA-OPD2). Identifiers: Orphanet 669, Orphanet 90652, MedGen C1844696, MONDO:0010571, OMIM 304120.
Heterotopia, periventricular, X-linked dominant (PVNH1). Also called: PERIVENTRICULAR NODULAR HETEROTOPIA 1; X-linked periventricular heterotopia; PERIVENTRICULAR NODULAR HETEROTOPIA 4; HETEROTOPIA, PERIVENTRICULAR, 1. Identifiers: Orphanet 2149, Orphanet 82004, MedGen C1848213, MONDO:0010233, OMIM 300049.

Allele frequency attached by ClinVar (database versions not stated): gnomAD 0.00001.
gnomAD v4.1: 3 of 1,209,948 alleles (0.00025%); highest among the groups gnomAD compares: African/African-American, 0.0017%; no homozygotes.

Submissions (4):

Labcorp Genetics (formerly Invitae), Labcorp
Classification: Uncertain significance for Oto-palato-digital syndrome, type II; Heterotopia, periventricular, X-linked dominant; Frontometaphyseal dysplasia; Melnick-Needles syndrome. Last evaluated: 2025-04-23. Review status: criteria provided, single submitter. Criteria: Invitae Variant Classification Sherloc (09022015). Collection method: clinical testing. Allele origin: germline.
Comment: This sequence change replaces isoleucine, which is neutral and non-polar, with leucine, which is neutral and non-polar, at codon 1415 of the FLNA protein (p.Ile1415Leu). This variant is not present in population databases (gnomAD no frequency). This variant has not been reported in the literature in individuals affected with FLNA-related conditions. ClinVar contains an entry for this variant (Variation ID: 1018767). Invitae Evidence Modeling of protein sequence and biophysical properties (such as structural, functional, and spatial information, amino acid conservation, physicochemical variation, residue mobility, and thermodynamic stability) indicates that this missense variant is not expected to disrupt FLNA protein function with a negative predictive value of 95%. In summary, the available evidence is currently insufficient to determine the role of this variant in disease. Therefore, it has been classified as a Variant of Uncertain Significance.

Ambry Genetics
Classification: Uncertain significance for Familial thoracic aortic aneurysm and aortic dissection. Last evaluated: 2021-12-20. Review status: criteria provided, single submitter. Criteria: Ambry Variant Classification Scheme 2023. Collection method: clinical testing. Allele origin: germline.
Comment: The p.I1415L variant (also known as c.4243A>C), located in coding exon 24 of the FLNA gene, results from an A to C substitution at nucleotide position 4243. The isoleucine at codon 1415 is replaced by leucine, an amino acid with highly similar properties. This amino acid position is not well conserved in available vertebrate species. In addition, this alteration is predicted to be tolerated by in silico analysis. Since supporting evidence is limited at this time, the clinical significance of this alteration remains unclear.

New York Genome Center
Classification: Uncertain significance for Heterotopia, periventricular, X-linked dominant. Last evaluated: 2020-06-05. Review status: criteria provided, single submitter. Criteria: NYGC Assertion Criteria 2020. Collection method: clinical testing. Allele origin: germline. Observed: 1 hemizygote. Study: CSER-NYCKidSeq.

GeneDx
Classification: Uncertain significance. Last evaluated: 2019-05-09. Review status: criteria provided, single submitter. Criteria: GeneDx Variant Classification Process June 2021. Collection method: clinical testing. Allele origin: germline. Affected: yes.
Comment: Not observed in large population cohorts (Lek et al., 2016); In silico analysis, which includes protein predictors and evolutionary conservation, supports that this variant does not alter protein structure/function; Has not been previously published as pathogenic or benign to our knowledge